The following is an entry in ClinVar:

ClinVar aggregate classification (germline): Pathogenic (1 of 4 stars; one submission).

Conditions:
Deficiency of adenosine deaminase 2. Also called: Polyarteritis nodosa, childhoood-onset; Adenosine Deaminase 2 Deficiency; VASCULITIS, AUTOINFLAMMATION, IMMUNODEFICIENCY, AND HEMATOLOGIC DEFECTS SYNDROME. Identifiers: Orphanet 404553, MedGen C3887654, MONDO:0014306, OMIM 615688, MONDO:0100317.

Submission:

Labcorp Genetics (formerly Invitae), Labcorp
Classification: Pathogenic for Deficiency of adenosine deaminase 2. Last evaluated: 2024-03-17. Review status: criteria provided, single submitter. Criteria: Invitae Variant Classification Sherloc (09022015). Collection method: clinical testing. Allele origin: germline.
Comment: This sequence change creates a premature translational stop signal (p.Ile245Serfs*8) in the ADA2 gene. It is expected to result in an absent or disrupted protein product. Loss-of-function variants in ADA2 are known to be pathogenic (PMID: 24552284, 24552285). This variant is not present in population databases (gnomAD no frequency). This variant has not been reported in the literature in individuals affected with ADA2-related conditions. For these reasons, this variant has been classified as Pathogenic.

Literature cited by the submitters: PubMed 24552284; PubMed 24552285.

NM_001282225.2(ADA2):c.734_738del (p.Ile245fs)

Gene: ADA2 (adenosine deaminase 2; minus strand). Cytogenetic location: 22q11.1.
Variant type: Deletion.
Coding change: c.734_738del on transcript NM_001282225.2 (MANE Select); coding-DNA positions 734 to 738, 5 bases deleted (TCAGA; older notation c.734_738delTCAGA).
Protein change: p.Ile245fs; shifts the reading frame from isoleucine 245.
Molecular consequence: frameshift variant.
Genome position (GRCh38, 1-based): chr22:17,203,578-17,203,582, TCTGA deleted on the plus strand (TCAGA on the coding strand, the reverse complement: ADA2 is on the minus strand); deleting any 5 consecutive bases within chr22:17,203,578-17,203,585 gives the same sequence; the c. name uses the placement nearest the transcript's 3' end. VCF-style (leftmost placement, unchanged base first): chr22-17203577-CTCTGA-C. GRCh37 (hg19) VCF-style: chr22-17684467-CTCTGA-C.
Other names: c.734_738del, p.Ile245fs (NM_001282226.2); c.608_612del, p.Ile203fs (NM_001282227.2, NM_001282228.2); c.374_378del, p.Ile125fs (NM_001282229.2); short protein forms I125fs, I203fs, I245fs.
Identifiers: ClinVar variation 3642575 (VCV003642575.2).